The following is an entry in ClinVar:

NM_001008216.2(GALE):c.97G>A (p.Asp33Asn)

Gene: GALE (UDP-galactose-4-epimerase; minus strand). Cytogenetic location: 1p36.11.
Variant type: single nucleotide variant.
Coding change: c.97G>A on transcript NM_001008216.2 (MANE Select); coding-DNA position 97, G replaced by A.
Protein change: p.Asp33Asn; replaces aspartic acid 33 with asparagine.
Molecular consequence: missense variant.
Genome position (GRCh38, 1-based): chr1:23,798,911, C>T on the plus strand (G>A on the coding strand, the complement: GALE is on the minus strand). VCF-style: chr1-23798911-C-T. GRCh37 (hg19) VCF-style: chr1-24125401-C-T.
Other names: c.97G>A, p.Asp33Asn (NM_000403.4, NM_001127621.2); short protein forms D33N.
Identifiers: ClinVar variation 167126 (VCV000167126.11), dbSNP rs727503945, ClinGen allele CA234073.

ClinVar aggregate classification (germline): Uncertain significance. Review status: criteria provided, multiple submitters, no conflicts (2 of 4 stars). 2 submissions from 2 submitters: Uncertain significance (2). Last evaluated 2025-12-24.

Conditions:
UDPglucose-4-epimerase deficiency. Also called: UDPglucose 4-Epimerase Deficiency Disease; Epimerase Deficiency Galactosemia; GALACTOSEMIA III; GALE DEFICIENCY; UDP-GALACTOSE-4-EPIMERASE DEFICIENCY; Galactose epimerase deficiency. Identifiers: Orphanet 352, Orphanet 79238, MedGen C0751161, MONDO:0009257, OMIM 230350.

Allele frequency attached by ClinVar (database versions not stated): gnomAD 0.00003 and 0.00004; gnomAD exomes below 0.00001; TOPMed 0.00002.

Submissions (2):

Labcorp Genetics (formerly Invitae), Labcorp
Classification: Uncertain significance for UDPglucose-4-epimerase deficiency. Last evaluated: 2025-12-24. Review status: criteria provided, single submitter. Criteria: Invitae Variant Classification Sherloc (09022015). Collection method: clinical testing. Allele origin: germline.
Comment: This sequence change replaces aspartic acid, which is acidic and polar, with asparagine, which is neutral and polar, at codon 33 of the GALE protein (p.Asp33Asn). This variant is present in population databases (rs727503945, gnomAD 0.002%). This variant has not been reported in the literature in individuals affected with GALE-related conditions. ClinVar contains an entry for this variant (Variation ID: 167126). Invitae Evidence Modeling of protein sequence and biophysical properties (such as structural, functional, and spatial information, amino acid conservation, physicochemical variation, residue mobility, and thermodynamic stability) indicates that this missense variant is expected to disrupt GALE protein function with a positive predictive value of 80%. In summary, the available evidence is currently insufficient to determine the role of this variant in disease. Therefore, it has been classified as a Variant of Uncertain Significance.

Eurofins Ntd Llc (ga)
Classification: Uncertain significance. Last evaluated: 2014-05-05. Review status: criteria provided, single submitter. Criteria: EGL Classification Definitions 2015. Collection method: clinical testing. Allele origin: germline. Observed: 1 variant allele, 1 heterozygote.